The following is an entry in ClinVar:

NM_005219.5(DIAPH1):c.1397-3C>T

Gene: DIAPH1 (diaphanous related formin 1; minus strand). Cytogenetic location: 5q31.3.
Variant type: single nucleotide variant.
Coding change: c.1397-3C>T on transcript NM_005219.5 (MANE Select); 3 bases into the intron before coding-DNA position 1397, C replaced by T.
Molecular consequence: intron variant.
Genome position (GRCh38, 1-based): chr5:141,576,297, G>A on the plus strand (C>T on the coding strand, the complement: DIAPH1 is on the minus strand). VCF-style: chr5-141576297-G-A. GRCh37 (hg19) VCF-style: chr5-140955864-G-A.
Other names: c.1370-3C>T (NM_001079812.3); c.1397-3C>T (NM_001314007.2).
Identifiers: ClinVar variation 1374891 (VCV001374891.6), dbSNP rs2154596393, ClinGen allele CA2573139131.

ClinVar aggregate classification (germline): Uncertain significance (1 of 4 stars; one submission).

Conditions:
Progressive microcephaly-seizures-cortical blindness-developmental delay syndrome. Also called: Seizures, cortical blindness, and microcephaly syndrome. Identifiers: Orphanet 477814, MedGen C5567650, MONDO:0014714, OMIM 616632.
Autosomal dominant nonsyndromic hearing loss 1. Also called: KONIGSMARK SYNDROME; DEAFNESS, AUTOSOMAL DOMINANT 1, WITH OR WITHOUT THROMBOCYTOPENIA. Identifiers: Orphanet 90635, MedGen C1852282, MONDO:0007424, OMIM 124900.

gnomAD v4.1: 1 of 1,612,092 alleles (0.000062%); highest among the groups gnomAD compares: African/African-American, 0.0013%; no homozygotes.

Submission:

Labcorp Genetics (formerly Invitae), Labcorp
Classification: Uncertain significance for Progressive microcephaly-seizures-cortical blindness-developmental delay syndrome; Autosomal dominant nonsyndromic hearing loss 1. Last evaluated: 2024-07-15. Review status: criteria provided, single submitter. Criteria: Invitae Variant Classification Sherloc (09022015). Collection method: clinical testing. Allele origin: germline.
Comment: This sequence change falls in intron 13 of the DIAPH1 gene. It does not directly change the encoded amino acid sequence of the DIAPH1 protein. It affects a nucleotide within the consensus splice site. This variant is not present in population databases (gnomAD no frequency). This variant has not been reported in the literature in individuals affected with DIAPH1-related conditions. ClinVar contains an entry for this variant (Variation ID: 1374891). Variants that disrupt the consensus splice site are a relatively common cause of aberrant splicing (PMID: 17576681, 9536098). Algorithms developed to predict the effect of sequence changes on RNA splicing suggest that this variant is not likely to affect RNA splicing. In summary, the available evidence is currently insufficient to determine the role of this variant in disease. Therefore, it has been classified as a Variant of Uncertain Significance.

Literature cited by the submitters: PubMed 17576681; PubMed 9536098.